The following is an entry in ClinVar:

NM_002230.4(JUP):c.664A>G (p.Ile222Val)

Gene: JUP (junction plakoglobin; minus strand). Cytogenetic location: 17q21.2.
Variant type: single nucleotide variant.
Coding change: c.664A>G on transcript NM_002230.4 (MANE Select); coding-DNA position 664, A replaced by G.
Protein change: p.Ile222Val; replaces isoleucine 222 with valine.
Molecular consequence: missense variant.
Genome position (GRCh38, 1-based): chr17:41,769,012, T>C on the plus strand (A>G on the coding strand, the complement: JUP is on the minus strand). VCF-style: chr17-41769012-T-C. GRCh37 (hg19) VCF-style: chr17-39925264-T-C.
Other names: c.664A>G, p.Ile222Val (NM_001352773.2, NM_001352774.2, NM_001352775.2 and 3 more transcripts); short protein forms I222V.
Identifiers: ClinVar variation 2931541 (VCV002931541.4), dbSNP rs1555605152, ClinGen allele CA399502540.
Genomic context (GRCh38, chr17:41,769,012, plus strand): 5'-TGAGCAGGGTTGGGTACCTGAGCATGCGGACCAGAGCAGGGATGCCACCCGACTTGAAGA[T>C]GGCGAGCAGCCCCTCCCGGTGGTGGGAGAGGTTGTGCAGGATGCTGGTGGTGCAGCGGGC-3'
Protein context (NP_002221.1, residues 212-232): LSHHREGLLA[Ile222Val]FKSGGIPALV

ClinVar aggregate classification (germline): Uncertain significance. Review status: criteria provided, multiple submitters, no conflicts (2 of 4 stars). 2 submissions from 2 submitters: Uncertain significance (2). Last evaluated 2025-10-17.

Conditions:
Cardiovascular phenotype. Identifiers: MedGen CN230736.
Naxos disease (NXD). Also called: KERATOSIS PALMOPLANTARIS WITH ARRHYTHMOGENIC CARDIOMYOPATHY; MAL DE NAXOS; PALMOPLANTAR KERATODERMA WITH ARRHYTHMOGENIC RIGHT VENTRICULAR CARDIOMYOPATHY AND WOOLLY HAIR; WOOLLY HAIR, PALMOPLANTAR KERATODERMA, AND CARDIAC ABNORMALITIES; CARDIOMYOPATHY, ARRHYTHMOGENIC RIGHT VENTRICULAR, WITH SKIN, HAIR, AND NAIL ABNORMALITIES. Identifiers: Orphanet 34217, MedGen C1832600, MONDO:0011017, OMIM 601214.
Arrhythmogenic right ventricular dysplasia 12. Also called: ARRHYTHMOGENIC RIGHT VENTRICULAR DYSPLASIA, FAMILIAL, 12. Identifiers: MedGen C1969081, MONDO:0012684, OMIM 611528.

Allele frequency attached by ClinVar (database versions not stated): gnomAD exomes 0.00001.
gnomAD v4.1: 3 of 1,610,654 alleles (0.00019%); highest among the groups gnomAD compares: Non-Finnish European, 0.00025%; no homozygotes.

Submissions (2):

Labcorp Genetics (formerly Invitae), Labcorp
Classification: Uncertain significance for Arrhythmogenic right ventricular dysplasia 12; Naxos disease. Last evaluated: 2025-10-17. Review status: criteria provided, single submitter. Criteria: Invitae Variant Classification Sherloc (09022015). Collection method: clinical testing. Allele origin: germline.
Comment: This sequence change replaces isoleucine, which is neutral and non-polar, with valine, which is neutral and non-polar, at codon 222 of the JUP protein (p.Ile222Val). This variant is present in population databases (no rsID available, gnomAD 0.0009%). This variant has not been reported in the literature in individuals affected with JUP-related conditions. ClinVar contains an entry for this variant (Variation ID: 2931541). An algorithm developed to predict the effect of missense changes on protein structure and function (PolyPhen-2) suggests that this variant is likely to be tolerated. In summary, the available evidence is currently insufficient to determine the role of this variant in disease. Therefore, it has been classified as a Variant of Uncertain Significance.

Ambry Genetics
Classification: Uncertain significance for Cardiovascular phenotype. Last evaluated: 2025-06-07. Review status: criteria provided, single submitter. Criteria: Ambry Variant Classification Scheme 2023. Collection method: clinical testing. Allele origin: germline.